The following is an entry in ClinVar:

ClinVar aggregate classification (germline): Uncertain significance (1 of 4 stars; one submission).

Conditions:
Sclerosteosis 2 (SOST2). Identifiers: Orphanet 3152, MedGen C3280402, MONDO:0013679, OMIM 614305.
Cenani-Lenz syndactyly syndrome. Also called: CENANI SYNDACTYLISM; SYNDACTYLY, TYPE VII. Identifiers: Orphanet 3258, MedGen C1859309, MONDO:0008931, OMIM 212780.
Congenital myasthenic syndrome 17. Identifiers: Orphanet 590, MedGen C4225377, MONDO:0014578, OMIM 616304.

Submission:

Labcorp Genetics (formerly Invitae), Labcorp
Classification: Uncertain significance for Cenani-Lenz syndactyly syndrome; Sclerosteosis 2; Congenital myasthenic syndrome 17. Last evaluated: 2021-11-10. Review status: criteria provided, single submitter. Criteria: Invitae Variant Classification Sherloc (09022015). Collection method: clinical testing. Allele origin: germline.
Comment: In summary, the available evidence is currently insufficient to determine the role of this variant in disease. Therefore, it has been classified as a Variant of Uncertain Significance. Algorithms developed to predict the effect of missense changes on protein structure and function (SIFT, PolyPhen-2, Align-GVGD) all suggest that this variant is likely to be disruptive. This variant has not been reported in the literature in individuals affected with LRP4-related conditions. This variant is not present in population databases (gnomAD no frequency). This sequence change replaces serine, which is neutral and polar, with arginine, which is basic and polar, at codon 1168 of the LRP4 protein (p.Ser1168Arg).

NM_002334.4(LRP4):c.3504T>G (p.Ser1168Arg)

Gene: LRP4 (LDL receptor related protein 4; minus strand). Cytogenetic location: 11p11.2.
Variant type: single nucleotide variant.
Coding change: c.3504T>G on transcript NM_002334.4 (MANE Select); coding-DNA position 3504, T replaced by G.
Protein change: p.Ser1168Arg; replaces serine 1168 with arginine.
Molecular consequence: missense variant.
Genome position (GRCh38, 1-based): chr11:46,876,498, A>C on the plus strand (T>G on the coding strand, the complement: LRP4 is on the minus strand). VCF-style: chr11-46876498-A-C. GRCh37 (hg19) VCF-style: chr11-46898049-A-C.
Other names: short protein forms S1168R.
Identifiers: ClinVar variation 1392492 (VCV001392492.6), dbSNP rs2134799809, ClinGen allele CA380274075.
Genomic context (GRCh38, chr11:46,876,498, plus strand): 5'-TACCCAGTGCGATACAGCCAGCTCTCACCCCATCTCATGGTACAGTACGATGGCCCGGGG[A>C]CTGTCAAGGTTCTGCCACACCAACACTTTCCGCATGGACCCGTCCAGGTTGCCCACTTCA-3'
Protein context (NP_002325.2, residues 1158-1178): RKVLVWQNLD[Ser1168Arg]PRAIVLYHEM